The following is an entry in ClinVar:

NM_000238.4(KCNH2):c.774_780del (p.Asp259fs)

Gene: KCNH2 (potassium voltage-gated channel subfamily H member 2; minus strand). Cytogenetic location: 7q36.1.
Variant type: Deletion.
Coding change: c.774_780del on transcript NM_000238.4 (MANE Select); coding-DNA positions 774 to 780, 7 bases deleted (CGACGCC; older notation c.774_780delCGACGCC).
Protein change: p.Asp259fs; shifts the reading frame from aspartic acid 259.
Molecular consequence: frameshift variant.
Genome position (GRCh38, 1-based): chr7:150,958,195-150,958,201, GGCGTCG deleted on the plus strand (CGACGCC on the coding strand, the reverse complement: KCNH2 is on the minus strand); deleting any 7 consecutive bases within chr7:150,958,195-150,958,203 gives the same sequence; the c. name uses the placement nearest the transcript's 3' end. VCF-style (leftmost placement, unchanged base first): chr7-150958194-AGGCGTCG-A. GRCh37 (hg19) VCF-style: chr7-150655282-AGGCGTCG-A.
Other names: c.772_778delCCCGACG, p.Asp259Argfs (NM_000238.3, NM_172056.3); c.484_490delCCCGACG, p.Asp163Argfs (NM_001406753.1, NM_001406756.1); c.595_601delCCCGACG, p.Asp200Argfs (NM_001406755.1); c.472_478delCCCGACG, p.Asp159Argfs (NM_001406757.1); short protein forms D259fs.
Identifiers: ClinVar variation 835590 (VCV000835590.9), dbSNP rs1801444435, ClinGen allele CA916080379.

ClinVar aggregate classification (germline): Pathogenic (1 of 4 stars; one submission).

Conditions:
Long QT syndrome (LQTS). Identifiers: MedGen C0023976, MeSH D008133, MONDO:0002442. Disease mechanism: loss of function. Inheritance: Various modes of inheritance.

Submission:

Labcorp Genetics (formerly Invitae), Labcorp
Classification: Pathogenic for Long QT syndrome. Last evaluated: 2019-05-16. Review status: criteria provided, single submitter. Criteria: Invitae Variant Classification Sherloc (09022015). Collection method: clinical testing. Allele origin: germline.
Comment: For these reasons, this variant has been classified as Pathogenic. Loss-of-function variants in KCNH2 are known to be pathogenic (PMID: 10973849, 19862833). This variant has not been reported in the literature in individuals with KCNH2-related conditions. The frequency data for this variant in the population databases is considered unreliable, as metrics indicate insufficient coverage at this position in the ExAC database. This sequence change creates a premature translational stop signal (p.Asp259Argfs*99) in the KCNH2 gene. It is expected to result in an absent or disrupted protein product.

Literature cited by the submitters: PubMed 10973849; PubMed 19862833.